The following is an entry in ClinVar:

NM_001111.5(ADAR):c.2669-9C>T

Genes: ADAR (adenosine deaminase RNA specific; minus strand), LOC126805874 (CDK7 strongly-dependent group 2 enhancer GRCh37_chr1:154561176-154562375; plus strand). Cytogenetic location: 1q21.3.
Variant type: single nucleotide variant.
Coding change: c.2669-9C>T on transcript NM_001111.5 (MANE Select); 9 bases into the intron before coding-DNA position 2669, C replaced by T.
Molecular consequence: intron variant.
Genome position (GRCh38, 1-based): chr1:154,589,471, G>A on the plus strand (C>T on the coding strand, the complement: ADAR is on the minus strand). VCF-style: chr1-154589471-G-A. GRCh37 (hg19) VCF-style: chr1-154561947-G-A.
Other names: c.2669-9C>T (LRG_1212t1); c.1784-9C>T (NM_001365046.1, NM_001025107.3, NM_001365048.1 and 2 more transcripts); c.2696-9C>T (NM_001365045.1); c.1706-9C>T (NM_001365049.1); c.2534-9C>T (NM_015841.4); c.2591-9C>T (NM_015840.4).
Identifiers: ClinVar variation 292765 (VCV000292765.15), dbSNP rs777184958, ClinGen allele CA1131172.

ClinVar aggregate classification (germline): Likely benign. Review status: criteria provided, multiple submitters, no conflicts (2 of 4 stars). 4 submissions from 4 submitters: Likely benign (4). Last evaluated 2025-10-07.

Conditions:
Aicardi-Goutieres syndrome 6 (AGS6). Identifiers: Orphanet 51, MedGen C3539013, MONDO:0014007, OMIM 615010.
Symmetrical dyschromatosis of extremities (DSH). Also called: Dyschromatosis symmetrica hereditaria; DYSCHROMATOSIS SYMMETRICA HEREDITARIA 1; RETICULATE ACROPIGMENTATION OF DOHI; SYMMETRIC DYSCHROMATOSIS OF THE EXTREMITIES. Identifiers: Orphanet 41, MedGen C0406775, MONDO:0007483, OMIM 127400.

Allele frequency attached by ClinVar (database versions not stated): gnomAD 0.00001 and 0.00002; gnomAD exomes 0.00002 and 0.00004; TOPMed 0.00003; ExAC 0.00004.
gnomAD v4.1: 27 of 1,607,018 alleles (0.0017%); highest among the groups gnomAD compares: Non-Finnish European, 0.0021%; no homozygotes.

Submissions (4):

Labcorp Genetics (formerly Invitae), Labcorp
Classification: Likely benign for Aicardi-Goutieres syndrome 6; Symmetrical dyschromatosis of extremities. Last evaluated: 2025-10-07. Review status: criteria provided, single submitter. Criteria: Invitae Variant Classification Sherloc (09022015). Collection method: clinical testing. Allele origin: germline.

Blueprint Genetics
Classification: Likely benign. Last evaluated: 2024-10-08. Review status: criteria provided, single submitter. Criteria: ACMG Guidelines, 2015. Collection method: clinical testing. Allele origin: germline.

Genome-Nilou Lab
Classification: Likely benign for Aicardi-Goutieres syndrome 6. Last evaluated: 2023-04-11. Review status: criteria provided, single submitter. Criteria: ACMG Guidelines, 2015. Collection method: clinical testing. Allele origin: germline. Affected: no.

Illumina Laboratory Services, Illumina
Classification: Likely benign for Symmetrical dyschromatosis of extremities. Last evaluated: 2018-01-13. Review status: criteria provided, single submitter. Criteria: ICSL Variant Classification Criteria 13 December 2019. Collection method: clinical testing. Allele origin: germline.
Comment: This variant was observed in the ICSL laboratory as part of a predisposition screen in an ostensibly healthy population. It had not been previously curated by ICSL or reported in the Human Gene Mutation Database (HGMD: prior to June 1st, 2018), and was therefore a candidate for classification through an automated scoring system. Utilizing variant allele frequency, disease prevalence and penetrance estimates, and inheritance mode, an automated score was calculated to assess if this variant is too frequent to cause the disease. Based on the score and internal cut-off values, a variant classified as likely benign is not then subjected to further curation. The score for this variant resulted in a classification of likely benign for this disease.